The following is an entry in ClinVar:

NM_001369.3(DNAH5):c.6206A>T (p.Asp2069Val)

Gene: DNAH5 (dynein axonemal heavy chain 5; minus strand). Cytogenetic location: 5p15.2.
Variant type: single nucleotide variant.
Coding change: c.6206A>T on transcript NM_001369.3 (MANE Select); coding-DNA position 6206, A replaced by T.
Protein change: p.Asp2069Val; replaces aspartic acid 2069 with valine.
Molecular consequence: missense variant.
Genome position (GRCh38, 1-based): chr5:13,830,069, T>A on the plus strand (A>T on the coding strand, the complement: DNAH5 is on the minus strand). VCF-style: chr5-13830069-T-A. GRCh37 (hg19) VCF-style: chr5-13830178-T-A.
Other names: short protein forms D2069V.
Identifiers: ClinVar variation 2451386 (VCV002451386.2), dbSNP rs2546878490, ClinGen allele CA359200834.

ClinVar aggregate classification (germline): Uncertain significance (1 of 4 stars; one submission).

Conditions:
Primary ciliary dyskinesia. Also called: Ciliary dyskinesia. Identifiers: Orphanet 244, MedGen C0008780, MONDO:0016575, HP:0012265.

Submission:

Ambry Genetics
Classification: Uncertain significance for Primary ciliary dyskinesia. Last evaluated: 2023-01-18. Review status: criteria provided, single submitter. Criteria: Ambry Variant Classification Scheme 2023. Collection method: clinical testing. Allele origin: germline.
Comment: The p.D2069V variant (also known as c.6206A>T), located in coding exon 37 of the DNAH5 gene, results from an A to T substitution at nucleotide position 6206. The aspartic acid at codon 2069 is replaced by valine, an amino acid with highly dissimilar properties. This amino acid position is conserved. In addition, the in silico prediction for this alteration is inconclusive. Since supporting evidence is limited at this time, the clinical significance of this alteration remains unclear.